The following is an entry in ClinVar:

ClinVar aggregate classification (germline): Uncertain significance (1 of 4 stars; one submission).

Submission:

Labcorp Genetics (formerly Invitae), Labcorp
Classification: Uncertain significance. Last evaluated: 2022-10-17. Review status: criteria provided, single submitter. Criteria: Invitae Variant Classification Sherloc (09022015). Collection method: clinical testing. Allele origin: germline.
Comment: In summary, the available evidence is currently insufficient to determine the role of this variant in disease. Therefore, it has been classified as a Variant of Uncertain Significance. ClinVar contains an entry for this variant (Variation ID: 1479309). This variant has not been reported in the literature in individuals affected with RPS6KC1-related conditions. This variant is present in population databases (no rsID available, gnomAD 0.002%). This sequence change creates a premature translational stop signal (p.Pro227Leufs*4) in the RPS6KC1 gene. It is expected to result in an absent or disrupted protein product. However, the current clinical and genetic evidence is not sufficient to establish whether loss-of-function variants in RPS6KC1 cause disease.

NM_012424.6(RPS6KC1):c.680del (p.Pro227fs)

Gene: RPS6KC1 (ribosomal protein S6 kinase C1; plus strand). Cytogenetic location: 1q32.3.
Variant type: Deletion.
Coding change: c.680del on transcript NM_012424.6 (MANE Select); coding-DNA position 680, one base deleted (C; older notation c.680delC).
Protein change: p.Pro227fs; shifts the reading frame from proline 227.
Molecular consequence: frameshift variant. On other transcripts: 5 prime UTR variant (13), non-coding transcript variant (3), intron variant (5).
Genome position (GRCh38, 1-based): chr1:213,129,734, C deleted; the last of 2 consecutive C bases (chr1:213,129,733-213,129,734); deleting either gives the same sequence. VCF-style (leftmost placement, unchanged base first): chr1-213129732-TC-T. GRCh37 (hg19) VCF-style: chr1-213303075-TC-T.
Other names: c.644del, p.Pro215fs (NM_001136138.4); c.137del, p.Pro46fs (NM_001287218.3, NM_001287219.3, NM_001287221.3 and 7 more transcripts); c.-535del (NM_001287220.3, NM_001349666.2, NM_001349667.2 and 4 more transcripts); c.680del, p.Pro227fs (NM_001349646.2); c.-608del (NM_001349659.2); c.-528del (NM_001349660.2, NM_001349661.2, NM_001349662.2); c.-442del (NM_001349664.2, NM_001349670.2); c.-57+12324del (NM_001349658.2); and 4 more; short protein forms P227fs, P215fs, P46fs.
Identifiers: ClinVar variation 1479309 (VCV001479309.6), dbSNP rs1205185843, ClinGen allele CA529003828.
Genomic context (GRCh38, chr1:213,129,732, plus strand): 5'-TGTTGCTTCTGACAGTGAACAGAGCAAAACAGAAGAAGAACGGGAAAGTCGTAGCCTCTT[TC>T]CTGGCAGTTTAAAGCCGAAGCTTGGCAAGAGAGATTATTTGGAGAAAGCAGGAGAATTAA-3'